The following is an entry in ClinVar:

NM_000195.5(HPS1):c.1375del (p.Ser459fs)

Gene: HPS1 (HPS1 biogenesis of lysosomal organelles complex 3 subunit 1; minus strand). Cytogenetic location: 10q24.2.
Variant type: Deletion.
Coding change: c.1375del on transcript NM_000195.5 (MANE Select); coding-DNA position 1375, one base deleted (A; older notation c.1375delA).
Protein change: p.Ser459fs; shifts the reading frame from serine 459.
Molecular consequence: frameshift variant.
Genome position (GRCh38, 1-based): chr10:98,424,335, T deleted on the plus strand (A on the coding strand, the reverse complement: HPS1 is on the minus strand); the first of 4 consecutive T bases (chr10:98,424,335-98,424,338); deleting any one gives the same sequence. VCF-style (leftmost placement, unchanged base first): chr10-98424334-CT-C. GRCh37 (hg19) VCF-style: chr10-100184091-CT-C.
Other names: NM_000195.5(HPS1):c.1375del; p.Ser459fs; c.403del, p.Ser135fs (NM_001311345.2, NM_001322487.2, NM_001322489.2); c.1375del, p.Ser459fs (NM_001322476.2, NM_001322477.2); c.1276del, p.Ser426fs (NM_001322478.2, NM_001322479.2); c.1114del, p.Ser372fs (NM_001322480.2, NM_001322481.2); c.1015del, p.Ser339fs (NM_001322482.2); c.1006del, p.Ser336fs (NM_001322483.2, NM_001322484.2); and 2 more; short protein forms S303fs, S339fs, S372fs, S426fs, S135fs, S336fs, S459fs.
Identifiers: ClinVar variation 1341378 (VCV001341378.9), dbSNP rs281865086, ClinGen allele CA341621.

ClinVar aggregate classification (germline): Pathogenic. Review status: criteria provided, multiple submitters, no conflicts (2 of 4 stars). 6 submissions from 6 submitters: Pathogenic (6). Last evaluated 2026-05-15.

Conditions:
Hermansky-Pudlak syndrome 1 (HPS1). Also called: DELTA STORAGE POOL DISEASE. Identifiers: Orphanet 231500, Orphanet 79430, MedGen C2931875, MONDO:0008748, OMIM 203300.
Hermansky-Pudlak syndrome (HPS). Also called: ALBINISM WITH HEMORRHAGIC DIATHESIS AND PIGMENTED RETICULOENDOTHELIAL CELLS. Identifiers: Orphanet 79430, MedGen C0079504, MONDO:0019312.

Submissions (6):

Myriad Genetics, Inc.
Classification: Pathogenic for Hermansky-Pudlak syndrome 1. Last evaluated: 2026-05-15. Review status: criteria provided, single submitter. Criteria: Myriad Autosomal Dominant, Autosomal Recessive and X-Linked Classification Criteria (2023). Collection method: clinical testing. Allele origin: unknown.
Comment: NM_000195.3(HPS1):c.1375delA(S459Vfs*16) is a frameshift variant classified as pathogenic in the context of Hermansky-Pudlak syndrome, HPS1-related. S459Vfs*16 has been observed in a case with relevant disease (PMID: 15952982). Relevant functional assessments of this variant are not available in the literature. S459Vfs*16 has been observed in referenced population frequency databases. In summary, NM_000195.3(HPS1):c.1375delA(S459Vfs*16) is a frameshift variant in a gene where loss of function is a known mechanism of disease, is predicted to disrupt protein function, and has been observed more frequently in cases with the relevant disease than in healthy populations. Please note: this variant was assessed in the context of healthy population screening.

Natera, Inc.
Classification: Pathogenic for Hermansky-Pudlak syndrome. Last evaluated: 2024-09-03. Review status: criteria provided, single submitter. Criteria: Natera Variant Classification Schema (03/2026). Collection method: clinical testing. Allele origin: germline.
Comment: The c.1375delA variant in HPS1 is a frameshift variant predicted to shift the reading frame beginning at codon 459 and leads to a stop codon 16 codons downstream. This variant is expected to result in nonsense mediated decay, truncation, or a dysfunctional protein product. This variant is rare in the general population with a frequency below the threshold expected for the associated phenotype(s). This variant has been observed in one or more individuals affected with the associated recessive disease, as either homozygous or compound heterozygous with a second variant (PMID: 15952982). Additionally, this variant has been observed to segregate in affected family members (PMID: 15952982). Given the available evidence, this variant is classified as Pathogenic.

Fulgent Genetics
Classification: Pathogenic for Hermansky-Pudlak syndrome 1. Last evaluated: 2024-05-21. Review status: criteria provided, single submitter. Criteria: ACMG Guidelines, 2015. Collection method: clinical testing. Allele origin: germline.

Labcorp Genetics (formerly Invitae), Labcorp
Classification: Pathogenic. Last evaluated: 2022-10-05. Review status: criteria provided, single submitter. Criteria: Invitae Variant Classification Sherloc (09022015). Collection method: clinical testing. Allele origin: germline.
Comment: ClinVar contains an entry for this variant (Variation ID: 1341378). For these reasons, this variant has been classified as Pathogenic. Algorithms developed to predict the effect of sequence changes on RNA splicing suggest that this variant may disrupt the consensus splice site. This premature translational stop signal has been observed in individual(s) with Hermansky-Pudlak syndrome (PMID: 15952982). The frequency data for this variant in the population databases is considered unreliable, as metrics indicate poor data quality at this position in the gnomAD database. This sequence change creates a premature translational stop signal (p.Ser459Valfs*16) in the HPS1 gene. It is expected to result in an absent or disrupted protein product. Loss-of-function variants in HPS1 are known to be pathogenic (PMID: 12442288, 16185271).

Baylor Genetics
Classification: Pathogenic for Hermansky-Pudlak syndrome 1. Last evaluated: 2022-02-23. Review status: criteria provided, single submitter. Criteria: ACMG Guidelines, 2015. Collection method: clinical testing. Allele origin: unknown.

Broad Center for Mendelian Genomics, Broad Institute of MIT and Harvard
Classification: Pathogenic for Hermansky-Pudlak syndrome. Last evaluated: 2021-11-29. Review status: criteria provided, single submitter. Criteria: ACMG Guidelines, 2015. Collection method: curation. Allele origin: germline. Inheritance: Autosomal recessive inheritance.
Comment: The p.Ser459fs variant in HPS1 has been reported in 1 individual, in the homozygous state, with Hermansky-Pudlak syndrome (PMID: 15952982), segregated with disease in 1 affected relative from 1 family (PMID: 15952982) and has been identified in 0.0009% (1/112934) of European (non-Finnish) chromosomes by the Genome Aggregation Database (gnomAD; dbSNP ID: rs1278076617). Although this variant has been seen in the general population in a heterozygous state, its frequency is low enough to be consistent with a recessive carrier frequency. This variant has also been reported in ClinVar (Variation ID#: 21093) and has been interpreted as Pathogenic by GeneReviews. This variant is predicted to cause a frameshift, which alters the protein’s amino acid sequence beginning at position 459 and leads to a premature termination codon 16 amino acids downstream. This alteration is then predicted to lead to a truncated or absent protein. Loss of function of the HPS1 gene is an established disease mechanism in autosomal recessive Hermansky-Pudlak syndrome. In summary, this variant meets criteria to be classified as pathogenic for autosomal recessive Hermansky-Pudlak syndrome. ACMG/AMP Criteria applied: PM3_supporting, PM2_supporting, PVS1 (Richards 2015).

Literature cited by the submitters: PubMed 15952982 (cited by 3 submitters); PubMed 12442288 (cited by Labcorp Genetics (formerly Invitae), Labcorp); PubMed 16185271 (cited by Labcorp Genetics (formerly Invitae), Labcorp).